The following is an entry in ClinVar:

ClinVar aggregate classification (germline): Uncertain significance (1 of 4 stars; one submission).

gnomAD v4.1: 1 of 1,614,106 alleles (0.000062%); highest among the groups gnomAD compares: Non-Finnish European, 0.000085%; no homozygotes.

Submission:

GeneDx
Classification: Uncertain significance. Last evaluated: 2023-07-14. Review status: criteria provided, single submitter. Criteria: GeneDx Variant Classification Process June 2021. Collection method: clinical testing. Allele origin: germline. Affected: yes.
Comment: Not observed at significant frequency in large population cohorts (gnomAD); In silico analysis supports that this missense variant has a deleterious effect on protein structure/function; Has not been previously published as pathogenic or benign to our knowledge

NM_003998.4(NFKB1):c.2140G>T (p.Asp714Tyr)

Gene: NFKB1 (nuclear factor kappa B subunit 1; plus strand). Cytogenetic location: 4q24.
Variant type: single nucleotide variant.
Coding change: c.2140G>T on transcript NM_003998.4 (MANE Select); coding-DNA position 2140, G replaced by T.
Protein change: p.Asp714Tyr; replaces aspartic acid 714 with tyrosine.
Molecular consequence: missense variant.
Genome position (GRCh38, 1-based): chr4:102,607,664, G>T. VCF-style: chr4-102607664-G-T. GRCh37 (hg19) VCF-style: chr4-103528821-G-T.
Other names: c.2137G>T, p.Asp713Tyr (NM_001165412.2, NM_001319226.2, NM_001382627.1); c.2140G>T, p.Asp714Tyr (NM_001382625.1, NM_001382626.1); c.2098G>T, p.Asp700Tyr (NM_001382628.1); short protein forms D700Y, D713Y, D714Y.
Identifiers: ClinVar variation 3361108 (VCV003361108.1).
Genomic context (GRCh38, chr4:102,607,664, plus strand): 5'-AAAAGAACCTTCCACTAACGCTTTCTTGTGTGGGCTGGATTGTAGGGTGATGCCCATGTG[G>T]ACAGTACTACCTACGATGGAACCACACCCCTGCATATAGCAGCTGGGAGAGGGTCCACCA-3'
Protein context (NP_003989.2, residues 704-724): CLLLEGDAHV[Asp714Tyr]STTYDGTTPL